The following is an entry in ClinVar:

NM_004104.5(FASN):c.3962C>T (p.Ala1321Val)

Gene: FASN (fatty acid synthase; minus strand). Cytogenetic location: 17q25.3.
Variant type: single nucleotide variant.
Coding change: c.3962C>T on transcript NM_004104.5 (MANE Select); coding-DNA position 3962, C replaced by T.
Protein change: p.Ala1321Val; replaces alanine 1321 with valine.
Molecular consequence: missense variant.
Genome position (GRCh38, 1-based): chr17:82,085,642, G>A on the plus strand (C>T on the coding strand, the complement: FASN is on the minus strand). VCF-style: chr17-82085642-G-A. GRCh37 (hg19) VCF-style: chr17-80043518-G-A.
Other names: short protein forms A1321V.
Identifiers: ClinVar variation 2915774 (VCV002915774.3), dbSNP rs1477328937, ClinGen allele CA401549505.
Genomic context (GRCh38, chr17:82,085,642, plus strand): 5'-AAGCCCCCTTCTCTCAGGGCAGCCACCATGTTGCTGAGAGCTGAGGCCGGGTCCCCGAGG[G>A]CAGCCACAGCACAGTTGCACACCAGGAGGTCGGCGCTGCCCAGGGCGCTGGGGGCAGGGT-3'
Protein context (NP_004095.4, residues 1311-1331): DLLVCNCAVA[Ala1321Val]LGDPASALSN

ClinVar aggregate classification (germline): Uncertain significance (1 of 4 stars; one submission).

Conditions:
Epileptic encephalopathy. Identifiers: MedGen C0543888, HP:0200134.

Allele frequency attached by ClinVar (database versions not stated): gnomAD exomes below 0.00001; gnomAD 0.00001.
gnomAD v4.1: 10 of 1,593,864 alleles (0.00063%); highest among the groups gnomAD compares: African/African-American, 0.0013%; no homozygotes.

Submission:

Labcorp Genetics (formerly Invitae), Labcorp
Classification: Uncertain significance for Epileptic encephalopathy. Last evaluated: 2023-05-12. Review status: criteria provided, single submitter. Criteria: Invitae Variant Classification Sherloc (09022015). Collection method: clinical testing. Allele origin: germline.
Comment: The frequency data for this variant in the population databases is considered unreliable, as metrics indicate poor data quality at this position in the gnomAD database. This sequence change replaces alanine, which is neutral and non-polar, with valine, which is neutral and non-polar, at codon 1321 of the FASN protein (p.Ala1321Val). This variant has not been reported in the literature in individuals affected with FASN-related conditions. In summary, the available evidence is currently insufficient to determine the role of this variant in disease. Therefore, it has been classified as a Variant of Uncertain Significance. An algorithm developed to predict the effect of missense changes on protein structure and function (PolyPhen-2) suggests that this variant is likely to be tolerated.